The following is an entry in ClinVar:

ClinVar aggregate classification (germline): Benign. Review status: criteria provided, multiple submitters, no conflicts (2 of 4 stars). 2 submissions from 2 submitters: Benign (2). Last evaluated 2018-06-14.

Allele frequency attached by ClinVar (database versions not stated): gnomAD exomes 0.08668; gnomAD 0.08735 and 0.09041; TOPMed 0.08838; 1000 Genomes Project 30x 0.12945; 1000 Genomes Project 0.13419.
gnomAD v4.1: 59,846 of 683,118 alleles (8.8%); highest among the groups gnomAD compares: East Asian, 21%; 3,347 homozygotes.

Submissions (2):

GeneDx
Classification: Benign. Last evaluated: 2018-06-14. Review status: criteria provided, single submitter. Criteria: GeneDx Variant Classification (06012015). Collection method: clinical testing. Allele origin: germline. Affected: yes.
Comment: This variant is considered likely benign or benign based on one or more of the following criteria: it is a conservative change, it occurs at a poorly conserved position in the protein, it is predicted to be benign by multiple in silico algorithms, and/or has population frequency not consistent with disease.

Breakthrough Genomics
Classification: Benign. Review status: criteria provided, single submitter. Criteria: ACMG Guidelines, 2015. Collection method: not provided. Allele origin: germline. Inheritance: Autosomal dominant inheritance. Affected: yes.

NM_001103.4(ACTN2):c.1515+146G>T

Gene: ACTN2 (actinin alpha 2; plus strand). Cytogenetic location: 1q43.
Variant type: single nucleotide variant.
Coding change: c.1515+146G>T on transcript NM_001103.4 (MANE Select); 146 bases into the intron after coding-DNA position 1515, G replaced by T.
Molecular consequence: intron variant.
Genome position (GRCh38, 1-based): chr1:236,747,921, G>T. VCF-style: chr1-236747921-G-T. GRCh37 (hg19) VCF-style: chr1-236911221-G-T.
Other names: c.891+146G>T (NM_001278344.2); c.1515+146G>T (NM_001278343.2).
Identifiers: ClinVar variation 674579 (VCV000674579.2), dbSNP rs79149380, ClinGen allele CA16083365.